The following is an entry in ClinVar:

ClinVar aggregate classification (germline): Uncertain significance (1 of 4 stars; one submission).

Conditions:
Hereditary cancer-predisposing syndrome. Also called: Hereditary neoplastic syndrome; Neoplastic Syndromes, Hereditary; Tumor predisposition; Hereditary Cancer Syndrome. Identifiers: Orphanet 140162, MedGen C0027672, MeSH D009386, MONDO:0015356.

Submission:

Ambry Genetics
Classification: Uncertain significance for Hereditary cancer-predisposing syndrome. Last evaluated: 2025-02-20. Review status: criteria provided, single submitter. Criteria: Ambry Variant Classification Scheme 2023. Collection method: clinical testing. Allele origin: germline.
Comment: The p.A433D variant (also known as c.1298C>A), located in coding exon 9 of the BRCA1 gene, results from a C to A substitution at nucleotide position 1298. The alanine at codon 433 is replaced by aspartic acid, an amino acid with dissimilar properties. This amino acid position is well conserved in available vertebrate species. In addition, this alteration is predicted to be deleterious by in silico analysis. Based on the available evidence, the clinical significance of this variant remains unclear.

NM_007294.4(BRCA1):c.1298C>A (p.Ala433Asp)

Gene: BRCA1 (BRCA1 DNA repair associated; minus strand). Cytogenetic location: 17q21.31.
Variant type: single nucleotide variant.
Coding change: c.1298C>A on transcript NM_007294.4 (MANE Select); coding-DNA position 1298, C replaced by A.
Protein change: p.Ala433Asp; replaces alanine 433 with aspartic acid.
Molecular consequence: missense variant. On other transcripts: intron variant (137).
Genome position (GRCh38, 1-based): chr17:43,094,233, G>T on the plus strand (C>A on the coding strand, the complement: BRCA1 is on the minus strand). VCF-style: chr17-43094233-G-T. GRCh37 (hg19) VCF-style: chr17-41246250-G-T.
Other names: c.1157C>A, p.Ala386Asp (NM_001407945.1, NM_001407692.1, NM_001407694.1 and 29 more transcripts); c.965C>A, p.Ala322Asp (NM_001407946.1, NM_001407947.1, NM_001407948.1 and 6 more transcripts); c.962C>A, p.Ala321Asp (NM_001407954.1, NM_001407955.1, NM_001407956.1 and 1 more transcripts); c.1154C>A, p.Ala385Asp (NM_001407964.1, NM_001407740.1, NM_001407741.1 and 20 more transcripts); c.914C>A, p.Ala305Asp (NM_001407962.1); c.917C>A, p.Ala306Asp (NM_001407963.1, NM_001407959.1, NM_001407960.1); c.794C>A, p.Ala265Asp (NM_001407965.1); c.410C>A, p.Ala137Asp (NM_001407966.1, NM_001407967.1); and 40 more; short protein forms A305D, A344D, A385D, A407D, A430D, A432D, A265D, A306D.
Identifiers: ClinVar variation 3825269 (VCV003825269.1).
Genomic context (GRCh38, chr17:43,094,233, plus strand): 5'-TCTACTGATTTGGAGTGAACTCTTTCACTTTTACATATTAAAGCCTCATGAGGATCACTG[G>T]CCAGTAAGTCTATTTTCTCTGAAGAACCAGAATATTCATCTACCTCATTTAGAACGTCCA-3'
Protein context (NP_009225.1, residues 423-443): SGSSEKIDLL[Ala433Asp]SDPHEALICK